The following is an entry in ClinVar:

NM_005359.6(SMAD4):c.1645C>T (p.Gln549Ter)

Gene: SMAD4 (SMAD family member 4; plus strand). Cytogenetic location: 18q21.2.
Variant type: single nucleotide variant.
Coding change: c.1645C>T on transcript NM_005359.6 (MANE Select); coding-DNA position 1645, C replaced by T.
Protein change: p.Gln549Ter; replaces glutamine 549 with a stop codon.
Molecular consequence: nonsense.
Genome position (GRCh38, 1-based): chr18:51,078,453, C>T. VCF-style: chr18-51078453-C-T. GRCh37 (hg19) VCF-style: chr18-48604823-C-T.
Other names: short protein forms Q549*.
Identifiers: ClinVar variation 529928 (VCV000529928.10), dbSNP rs1555687613, ClinGen allele CA402466217.

ClinVar aggregate classification (germline): Uncertain significance. Review status: criteria provided, multiple submitters, no conflicts (2 of 4 stars). 2 submissions from 2 submitters: Uncertain significance (2). Last evaluated 2025-06-04.

Conditions:
Hereditary cancer-predisposing syndrome. Also called: Neoplastic Syndromes, Hereditary; Hereditary neoplastic syndrome; Tumor predisposition; Hereditary Cancer Syndrome. Identifiers: Orphanet 140162, MedGen C0027672, MeSH D009386, MONDO:0015356.
Familial thoracic aortic aneurysm and aortic dissection (TAAD). Also called: Thoracic aortic aneurysms and dissections. Identifiers: Orphanet 91387, MedGen C4707243, MONDO:0019625.
Juvenile polyposis syndrome (JPS). Identifiers: Orphanet 2929, MedGen C0345893, MONDO:0017380, OMIM 174900.

Submissions (2):

Labcorp Genetics (formerly Invitae), Labcorp
Classification: Uncertain significance for Juvenile polyposis syndrome. Last evaluated: 2025-06-04. Review status: criteria provided, single submitter. Criteria: Invitae Variant Classification Sherloc (09022015). Collection method: clinical testing. Allele origin: germline.
Comment: This sequence change creates a premature translational stop signal (p.Gln549*) in the SMAD4 gene. While this is not anticipated to result in nonsense mediated decay, it is expected to disrupt the last 4 amino acid(s) of the SMAD4 protein. This variant is not present in population databases (gnomAD no frequency). This variant has not been reported in the literature in individuals affected with SMAD4-related conditions. ClinVar contains an entry for this variant (Variation ID: 529928). In summary, the available evidence is currently insufficient to determine the role of this variant in disease. Therefore, it has been classified as a Variant of Uncertain Significance.

Ambry Genetics
Classification: Uncertain significance for Hereditary cancer-predisposing syndrome; Familial thoracic aortic aneurysm and aortic dissection. Last evaluated: 2020-03-25. Review status: criteria provided, single submitter. Criteria: Ambry Variant Classification Scheme 2023. Collection method: clinical testing. Allele origin: germline.
Comment: The p.Q549* variant (also known as c.1645C>T), located in coding exon 11 of the SMAD4 gene, results from a C to T substitution at nucleotide position 1645. This changes the amino acid from a glutamine to a stop codon within coding exon 11. Premature stop codons are typically deleterious in nature; however, this stop codon occurs at the 3' terminus of SMAD4, is not expected to trigger nonsense-mediated mRNA decay, and impacts only the last four amino acids of the protein. The exact functional impact of these removed amino acids is unknown at this time. Since supporting evidence is limited at this time, the clinical significance of this alteration remains unclear.